The following is an entry in ClinVar:

ClinVar aggregate classification (germline): Benign. Review status: criteria provided, multiple submitters, no conflicts (2 of 4 stars). 2 submissions from 2 submitters: Benign (2). Last evaluated 2026-01-22.

gnomAD v4.1: 11,068 of 1,611,992 alleles (0.69%); highest among the groups gnomAD compares: African/African-American, 12%; 600 homozygotes.

Submissions (2):

Women's Health and Genetics/Laboratory Corporation of America, LabCorp
Classification: Benign. Last evaluated: 2026-01-22. Review status: criteria provided, single submitter. Criteria: LabCorp Variant Classification Summary - May 2015. Collection method: clinical testing. Allele origin: germline.
Comment: Variant summary: POMP c.*8C>G is located in the untranslated mRNA region downstream of the termination codon. The variant allele was found at a frequency of 0.0096 in 251444 control chromosomes in the gnomAD database, including 121 homozygotes. The observed variant frequency exceeds the estimated maximal expected allele frequency for disease-causing variants in POMP. To our knowledge, no occurrence of c.*8C>G in individuals affected with POMP-related conditions and no experimental evidence demonstrating its impact on protein function have been reported. ClinVar contains an entry for this variant (Variation ID: 4683787). Based on the evidence outlined above, the variant was classified as benign.

Mayo Clinic Laboratories, Mayo Clinic
Classification: Benign. Last evaluated: 2023-12-17. Review status: criteria provided, single submitter. Criteria: ACMG Guidelines, 2015. Collection method: clinical testing. Allele origin: germline. Observed: 10 variant alleles.

NM_015932.6(POMP):c.*8C>G

Gene: POMP (proteasome maturation protein; plus strand). Cytogenetic location: 13q12.3.
Variant type: single nucleotide variant.
Coding change: c.*8C>G on transcript NM_015932.6 (MANE Select); 8 bases downstream of the stop codon, C replaced by G.
Molecular consequence: 3 prime UTR variant.
Genome position (GRCh38, 1-based): chr13:28,678,110, C>G. VCF-style: chr13-28678110-C-G. GRCh37 (hg19) VCF-style: chr13-29252247-C-G.
Identifiers: ClinVar variation 4683787 (VCV004683787.2).
Genomic context (GRCh38, chr13:28,678,110, plus strand): 5'-AAGTCATGGGAGAGCCACACTTGATGGTGGAATATAAACTTGGTTTACTGTAATAGTGTG[C>G]TGTTCATGGAAACCGAGGGCTGCATCTTGTTTATAGTCATCTTTGTACTGTAATTTGATG-3'